The following is an entry in ClinVar:

ClinVar aggregate classification (germline): Uncertain significance (1 of 4 stars; one submission).

Allele frequency attached by ClinVar (database versions not stated): gnomAD exomes below 0.00001 and 0.00001.

Submission:

GeneDx
Classification: Uncertain significance. Last evaluated: 2013-01-07. Review status: criteria provided, single submitter. Criteria: GeneDx Variant Classification (06012015). Collection method: clinical testing. Allele origin: germline. Affected: yes.
Comment: Missense variants in the TTN gene are considered 'unclassified' if they are not previously reported in the literature and do not have >1% frequency in the population to be considered a polymorphism. Research indicates that truncating mutations in the TTN gene are expected to account for approximately 25% of familial and 18% of sporadic idiopathic DCM; however, truncating variants in the TTN gene have been reported in approximately 3% of reported control alleles. There has been little investigation into non-truncating variants. (Herman D et al. Truncations of titin causing dilated cardiomyopathy. N Eng J Med 366:619-628, 2012) The variant is found in DCM panel(s).

NM_001267550.2(TTN):c.27265T>C (p.Tyr9089His)

Gene: TTN (titin; minus strand). Cytogenetic location: 2q31.2.
Variant type: single nucleotide variant.
Coding change: c.27265T>C on transcript NM_001267550.2 (MANE Select); coding-DNA position 27265, T replaced by C.
Protein change: p.Tyr9089His; replaces tyrosine 9089 with histidine.
Molecular consequence: missense variant. On other transcripts: intron variant (3).
Genome position (GRCh38, 1-based): chr2:178,712,760, A>G on the plus strand (T>C on the coding strand, the complement: TTN is on the minus strand). VCF-style: chr2-178712760-A-G. GRCh37 (hg19) VCF-style: chr2-179577487-A-G.
Other names: p.Y8772H:TAT>CAT; c.26314T>C, p.Tyr8772His (NM_001256850.1); c.23533T>C, p.Tyr7845His (NM_133378.4); c.13282+25322T>C (NM_003319.4); c.13858+25322T>C (NM_133437.4); c.13657+25322T>C (NM_133432.3); short protein forms Y8772H, Y9089H, Y7845H.
Identifiers: ClinVar variation 203350 (VCV000203350.2), dbSNP rs794729633, ClinGen allele CA312118.